The following is an entry in ClinVar:

NM_003494.4(DYSF):c.1486C>G (p.Pro496Ala)

Gene: DYSF (dysferlin; plus strand). Cytogenetic location: 2p13.2.
Variant type: single nucleotide variant.
Coding change: c.1486C>G on transcript NM_003494.4 (MANE Plus Clinical); coding-DNA position 1486, C replaced by G.
Protein change: p.Pro496Ala; replaces proline 496 with alanine.
Molecular consequence: missense variant. On other transcripts: intron variant (8).
Genome position (GRCh38, 1-based): chr2:71,549,355, C>G. VCF-style: chr2-71549355-C-G. GRCh37 (hg19) VCF-style: chr2-71776485-C-G.
Other names: c.1489C>G, p.Pro497Ala (NM_001130455.2, NM_001130983.2); c.1486C>G, p.Pro496Ala (NM_001130978.2); c.1579C>G, p.Pro527Ala (NM_001130979.2); c.1582C>G, p.Pro528Ala (NM_001130982.2); c.1574-1686C>G (NM_001130981.2, NM_001130980.2); c.1481-1686C>G (NM_001130977.2, NM_001130976.2); c.1577-1686C>G (NM_001130987.2, NM_001130985.2); c.1484-1686C>G (NM_001130984.2, NM_001130986.2); short protein forms P497A, P496A, P527A, P528A.
Identifiers: ClinVar variation 654728 (VCV000654728.7), dbSNP rs368577086, ClinGen allele CA1705838.

ClinVar aggregate classification (germline): Uncertain significance. Review status: criteria provided, single submitter (1 of 4 stars). 2 submissions from 2 submitters: Uncertain significance (1). 1 of the submissions does not count toward it. Last evaluated 2022-08-09.

Conditions:
Neuromuscular disease caused by qualitative or quantitative defects of dysferlin. Also called: Qualitative or quantitative defects of dysferlin; Dysferlinopathy. Identifiers: Orphanet 207073, MedGen C2931687, MONDO:0016145.
Autosomal recessive limb-girdle muscular dystrophy type 2B (LGMDR2). Also called: Limb-girdle muscular dystrophy, type 2B; MUSCULAR DYSTROPHY, LIMB-GIRDLE, TYPE 3; Limb-Girdle Muscular Dystrophy Type 2B (LGMD2B); MUSCULAR DYSTROPHY, LIMB-GIRDLE, AUTOSOMAL RECESSIVE 2. Identifiers: Orphanet 268, MedGen C1850889, MONDO:0009676, OMIM 253601.

Allele frequency attached by ClinVar (database versions not stated): gnomAD 0.00001; TOPMed 0.00002; ESP Exome Variant Server 0.00008.
gnomAD v4.1: 24 of 1,612,618 alleles (0.0015%); highest among the groups gnomAD compares: Admixed American, 0.0033%; no homozygotes.

Submissions (2):

Labcorp Genetics (formerly Invitae), Labcorp
Classification: Uncertain significance for Neuromuscular disease caused by qualitative or quantitative defects of dysferlin. Last evaluated: 2022-08-09. Review status: criteria provided, single submitter. Criteria: Invitae Variant Classification Sherloc (09022015). Collection method: clinical testing. Allele origin: germline.
Comment: This sequence change replaces proline, which is neutral and non-polar, with alanine, which is neutral and non-polar, at codon 496 of the DYSF protein (p.Pro496Ala). This variant is present in population databases (rs368577086, gnomAD 0.006%). This variant has not been reported in the literature in individuals affected with DYSF-related conditions. ClinVar contains an entry for this variant (Variation ID: 654728). Advanced modeling of protein sequence and biophysical properties (such as structural, functional, and spatial information, amino acid conservation, physicochemical variation, residue mobility, and thermodynamic stability) performed at Invitae indicates that this missense variant is not expected to disrupt DYSF protein function. In summary, the available evidence is currently insufficient to determine the role of this variant in disease. Therefore, it has been classified as a Variant of Uncertain Significance.

Natera, Inc.
Classification: Uncertain significance for Limb-girdle muscular dystrophy type 2B. Last evaluated: 2021-03-16. Review status: no assertion criteria provided. Collection method: clinical testing. Allele origin: germline. Not counted in ClinVar's aggregate classification.